The following is an entry in ClinVar:

ClinVar aggregate classification (germline): Uncertain significance (1 of 4 stars; one submission).

Submission:

CeGaT Center for Human Genetics Tuebingen
Classification: Uncertain significance. Last evaluated: 2025-03-01. Review status: criteria provided, single submitter. Criteria: CeGaT Center For Human Genetics Tuebingen Variant Classification Criteria Version 2. Collection method: clinical testing. Allele origin: germline. Affected: yes. Observed: 1 variant allele.
Comment: DNAH5: PM2, PP3

NM_001369.3(DNAH5):c.5115-3T>G

Gene: DNAH5 (dynein axonemal heavy chain 5; minus strand). Cytogenetic location: 5p15.2.
Variant type: single nucleotide variant.
Coding change: c.5115-3T>G on transcript NM_001369.3 (MANE Select); 3 bases into the intron before coding-DNA position 5115, T replaced by G.
Molecular consequence: intron variant.
Genome position (GRCh38, 1-based): chr5:13,844,996, A>C on the plus strand (T>G on the coding strand, the complement: DNAH5 is on the minus strand). VCF-style: chr5-13844996-A-C. GRCh37 (hg19) VCF-style: chr5-13845105-A-C.
Identifiers: ClinVar variation 3778564 (VCV003778564.7).